The following is an entry in ClinVar:

NM_012473.4(TXN2):c.388-1G>A

Gene: TXN2 (thioredoxin 2; minus strand). Cytogenetic location: 22q12.3.
Variant type: single nucleotide variant.
Coding change: c.388-1G>A on transcript NM_012473.4 (MANE Select); the canonical splice acceptor site of the intron before coding-DNA position 388, G replaced by A.
Molecular consequence: splice acceptor variant.
Genome position (GRCh38, 1-based): chr22:36,467,918, C>T on the plus strand (G>A on the coding strand, the complement: TXN2 is on the minus strand). VCF-style: chr22-36467918-C-T. GRCh37 (hg19) VCF-style: chr22-36863965-C-T.
Identifiers: ClinVar variation 2577086 (VCV002577086.1), dbSNP rs374405884, ClinGen allele CA10210791.

ClinVar aggregate classification (germline): Uncertain significance (1 of 4 stars; one submission).

Allele frequency attached by ClinVar (database versions not stated): gnomAD exomes below 0.00001; ExAC 0.00001; gnomAD 0.00003; TOPMed 0.00003; ESP Exome Variant Server 0.00008.
gnomAD v4.1: 7 of 1,613,776 alleles (0.00043%); highest among the groups gnomAD compares: African/African-American, 0.0093%; no homozygotes.

Submission:

Women's Health and Genetics/Laboratory Corporation of America, LabCorp
Classification: Uncertain significance. Last evaluated: 2023-07-20. Review status: criteria provided, single submitter. Criteria: LabCorp Variant Classification Summary - May 2015. Collection method: clinical testing. Allele origin: germline.
Comment: Variant summary: TXN2 c.388-1G>A is located in a canonical splice-site in the last intron, and is predicted to affect mRNA splicing resulting in a significantly altered protein due to either exon skipping, shortening, or inclusion of intronic material. Several computational tools predict a significant impact on normal splicing: Four predict the variant abolishes a canonical 3' acceptor site, and two predict the variant creates a cryptic 3' acceptor site 1nt downstream into exon 4. However, these predictions have yet to be confirmed by functional studies. The variant allele was found at a frequency of 8e-06 in 249026 control chromosomes (gnomAD). The available data on variant occurrences in the general population are insufficient to allow any conclusion about variant significance. To our knowledge, no occurrence of c.388-1G>A in individuals affected with Combined Oxidative Phosphorylation Deficiency 29 and no experimental evidence demonstrating its impact on protein function have been reported. No submitters have cited clinical-significance assessments for this variant to ClinVar after 2014. Based on the evidence outlined above, the variant was classified as uncertain significance.